The following is an entry in ClinVar:

ClinVar aggregate classification (germline): Uncertain significance (1 of 4 stars; one submission).

Allele frequency attached by ClinVar (database versions not stated): TOPMed below 0.00001; gnomAD 0.00001.

Submission:

Labcorp Genetics (formerly Invitae), Labcorp
Classification: Uncertain significance. Last evaluated: 2025-04-17. Review status: criteria provided, single submitter. Criteria: Invitae Variant Classification Sherloc (09022015). Collection method: clinical testing. Allele origin: germline.
Comment: This sequence change replaces leucine, which is neutral and non-polar, with histidine, which is basic and polar, at codon 269 of the CYP26B1 protein (p.Leu269His). This variant is not present in population databases (gnomAD no frequency). This variant has not been reported in the literature in individuals affected with CYP26B1-related conditions. ClinVar contains an entry for this variant (Variation ID: 1966875). An algorithm developed to predict the effect of missense changes on protein structure and function (PolyPhen-2) suggests that this variant is likely to be disruptive. In summary, the available evidence is currently insufficient to determine the role of this variant in disease. Therefore, it has been classified as a Variant of Uncertain Significance.

NM_019885.4(CYP26B1):c.806T>A (p.Leu269His)

Gene: CYP26B1 (cytochrome P450 family 26 subfamily B member 1; minus strand). Cytogenetic location: 2p13.2.
Variant type: single nucleotide variant.
Coding change: c.806T>A on transcript NM_019885.4 (MANE Select); coding-DNA position 806, T replaced by A.
Protein change: p.Leu269His; replaces leucine 269 with histidine.
Molecular consequence: missense variant.
Genome position (GRCh38, 1-based): chr2:72,134,816, A>T on the plus strand (T>A on the coding strand, the complement: CYP26B1 is on the minus strand). VCF-style: chr2-72134816-A-T. GRCh37 (hg19) VCF-style: chr2-72361945-A-T.
Other names: c.581T>A, p.Leu194His (NM_001277742.2); short protein forms L269H, L194H.
Identifiers: ClinVar variation 1966875 (VCV001966875.5), dbSNP rs1676711803, ClinGen allele CA347224645.